The following is an entry in ClinVar:

NM_006486.3(FBLN1):c.483G>A (p.Thr161=)

Gene: FBLN1 (fibulin 1; plus strand). Cytogenetic location: 22q13.31.
Variant type: single nucleotide variant.
Coding change: c.483G>A on transcript NM_006486.3 (MANE Select); coding-DNA position 483, G replaced by A.
Protein change: p.Thr161=; no amino-acid change (threonine 161 retained).
Molecular consequence: synonymous variant.
Genome position (GRCh38, 1-based): chr22:45,528,008, G>A. VCF-style: chr22-45528008-G-A. GRCh37 (hg19) VCF-style: chr22-45923888-G-A.
Other names: c.483G>A, p.Thr161= (NM_001996.4, NM_006485.4, NM_006487.3).
Identifiers: ClinVar variation 3257167 (VCV003257167.18).

ClinVar aggregate classification (germline): Likely benign. Review status: criteria provided, multiple submitters, no conflicts (2 of 4 stars). 2 submissions from 2 submitters: Likely benign (2). Last evaluated 2024-07-01.

gnomAD v4.1: 65 of 1,614,074 alleles (0.004%); highest among the groups gnomAD compares: Non-Finnish European, 0.0049%; no homozygotes.

Submissions (2):

CeGaT Center for Human Genetics Tuebingen
Classification: Likely benign. Last evaluated: 2024-07-01. Review status: criteria provided, single submitter. Criteria: CeGaT Center For Human Genetics Tuebingen Variant Classification Criteria Version 2. Collection method: clinical testing. Allele origin: germline. Affected: yes. Observed: 1 variant allele.
Comment: FBLN1: BP4, BP7

Blueprint Genetics
Classification: Likely benign. Last evaluated: 2021-09-20. Review status: criteria provided, single submitter. Criteria: ACMG Guidelines, 2015. Collection method: clinical testing. Allele origin: germline.